The following is an entry in ClinVar:

NM_004130.4(GYG1):c.788A>C (p.Gln263Pro)

Gene: GYG1 (glycogenin 1; plus strand). Cytogenetic location: 3q24.
Variant type: single nucleotide variant.
Coding change: c.788A>C on transcript NM_004130.4 (MANE Select); coding-DNA position 788, A replaced by C.
Protein change: p.Gln263Pro; replaces glutamine 263 with proline.
Molecular consequence: missense variant. On other transcripts: intron variant (1).
Genome position (GRCh38, 1-based): chr3:149,024,232, A>C. VCF-style: chr3-149024232-A-C. GRCh37 (hg19) VCF-style: chr3-148742019-A-C.
Other names: p.Gln263Pro; c.788A>C, p.Gln263Pro (NM_001184720.2); c.609-2528A>C (NM_001184721.2); short protein forms Q263P.
Identifiers: ClinVar variation 1696244 (VCV001696244.6), dbSNP rs746892694, ClinGen allele CA2658655.

ClinVar aggregate classification (germline): Uncertain significance. Review status: criteria provided, multiple submitters, no conflicts (2 of 4 stars). 5 submissions from 5 submitters: Uncertain significance (5). Last evaluated 2025-03-19.

Conditions:
Inborn genetic diseases. Identifiers: MedGen C0950123, MeSH D030342.
Polyglucosan body myopathy type 2. Identifiers: Orphanet 456369, MedGen C4015452, MONDO:0014526, OMIM 616199.
Glycogen storage disease XV (GSD15). Also called: GLYCOGENIN DEFICIENCY; GSD XV. Identifiers: Orphanet 263297, MedGen C3150754, MONDO:0013291, OMIM 613507.

Allele frequency attached by ClinVar (database versions not stated): TOPMed 0.00003; ExAC 0.00004; gnomAD exomes 0.00005 and 0.00008; gnomAD 0.00008 and 0.00009.
gnomAD v4.1: 124 of 1,613,740 alleles (0.0077%); highest among the groups gnomAD compares: Non-Finnish European, 0.01%; no homozygotes.

Submissions (5):

Mayo Clinic Laboratories, Mayo Clinic
Classification: Uncertain significance. Last evaluated: 2025-03-19. Review status: criteria provided, single submitter. Criteria: ACMG Guidelines, 2015. Collection method: clinical testing. Allele origin: germline. Observed: 1 variant allele.
Comment: BP4, PM2_supporting

Ambry Genetics
Classification: Uncertain significance for Inborn genetic diseases. Last evaluated: 2025-02-24. Review status: criteria provided, single submitter. Criteria: Ambry Variant Classification Scheme 2023. Collection method: clinical testing. Allele origin: germline.

Blueprint Genetics
Classification: Uncertain significance. Last evaluated: 2023-12-21. Review status: criteria provided, single submitter. Criteria: ACMG Guidelines, 2015. Collection method: clinical testing. Allele origin: germline.

Women's Health and Genetics/Laboratory Corporation of America, LabCorp
Classification: Uncertain significance. Last evaluated: 2022-05-13. Review status: criteria provided, single submitter. Criteria: LabCorp Variant Classification Summary - May 2015. Collection method: clinical testing. Allele origin: germline.
Comment: Variant summary: GYG1 c.788A>C (p.Gln263Pro) results in a non-conservative amino acid change in the encoded protein sequence. Three of five in-silico tools predict a benign effect of the variant on protein function. The variant allele was found at a frequency of 4.8e-05 in 251370 control chromosomes (gnomAD). This frequency is not significantly higher than expected for a pathogenic variant in GYG1 causing Polyglucosan Body Myopathy Type 2 (4.8e-05 vs ND), allowing no conclusion about variant significance. To our knowledge, no occurrence of c.788A>C in individuals affected with Polyglucosan Body Myopathy Type 2 and no experimental evidence demonstrating its impact on protein function have been reported. No clinical diagnostic laboratories have submitted clinical-significance assessments for this variant to ClinVar after 2014. Based on the evidence outlined above, the variant was classified as uncertain significance.

Labcorp Genetics (formerly Invitae), Labcorp
Classification: Uncertain significance for Polyglucosan body myopathy type 2; Glycogen storage disease XV. Last evaluated: 2022-04-13. Review status: criteria provided, single submitter. Criteria: Invitae Variant Classification Sherloc (09022015). Collection method: clinical testing. Allele origin: germline.
Comment: This sequence change replaces glutamine, which is neutral and polar, with proline, which is neutral and non-polar, at codon 263 of the GYG1 protein (p.Gln263Pro). This variant is present in population databases (rs746892694, gnomAD 0.009%). This variant has not been reported in the literature in individuals affected with GYG1-related conditions. Algorithms developed to predict the effect of missense changes on protein structure and function are either unavailable or do not agree on the potential impact of this missense change (SIFT: "Deleterious"; PolyPhen-2: "Benign"; Align-GVGD: "Class C0"). In summary, the available evidence is currently insufficient to determine the role of this variant in disease. Therefore, it has been classified as a Variant of Uncertain Significance.